The following is an entry in ClinVar:

ClinVar aggregate classification (germline): Pathogenic (1 of 4 stars; one submission).

Conditions:
Hereditary diffuse gastric adenocarcinoma (HDGC). Also called: DIFFUSE GASTRIC AND LOBULAR BREAST CANCER SYNDROME. Identifiers: Orphanet 26106, MedGen C1708349, MONDO:0007648, OMIM 137215.

Submission:

European Reference Network on Genetic Tumour Risk Syndromes (ERN-GENTURIS), i3s - Instituto de Investigação e Inovação em Saúde, University of Porto
Classification: Pathogenic for Hereditary diffuse gastric adenocarcinoma. Last evaluated: 2022-08-01. Review status: criteria provided, single submitter. Criteria: Lee et al. (Hum Mutat. 2018). Collection method: clinical testing. Allele origin: germline. Inheritance: Autosomal dominant inheritance. Affected: yes. Study: ERN GENTURIS.
Comment: PVS1_Strong; PS3_Moderate; PS4_Suportive; PM2 (PMID: 30311375)

Literature cited by the submitters: PubMed 36436516; PubMed 24493355.

NM_004360.5(CDH1):c.688-1G>C

Gene: CDH1 (cadherin 1; plus strand). Cytogenetic location: 16q22.1.
Variant type: single nucleotide variant.
Coding change: c.688-1G>C on transcript NM_004360.5 (MANE Select); the canonical splice acceptor site of the intron before coding-DNA position 688, G replaced by C.
Molecular consequence: splice acceptor variant.
Genome position (GRCh38, 1-based): chr16:68,810,196, G>C. VCF-style: chr16-68810196-G-C. GRCh37 (hg19) VCF-style: chr16-68844099-G-C.
Other names: c.-928-1G>C (NM_001317185.2); c.-1132-1G>C (NM_001317186.2); c.688-1G>C (NM_001317184.2).
Identifiers: ClinVar variation 2502925 (VCV002502925.1), dbSNP rs2152130985, ClinGen allele CA396458349.
Genomic context (GRCh38, chr16:68,810,196, plus strand): 5'-CCCCTTCTCCCATGTTTTCTTCCTCATCAGAGCTCAAGTCACCCTCACTTGGTTCTTTCA[G>C]CTCTTCTCTCACGCTGTGTCATCCAACGGGAATGCAGTTGAGGATCCAATGGAGATTTTG-3'